The following is an entry in ClinVar:

NM_001029883.3(PCARE):c.3183del (p.Glu1062fs)

Gene: PCARE (photoreceptor cilium actin regulator; minus strand). Cytogenetic location: 2p23.2.
Variant type: Deletion.
Coding change: c.3183del on transcript NM_001029883.3 (MANE Select); coding-DNA position 3183, one base deleted (C; older notation c.3183delC).
Protein change: p.Glu1062fs; shifts the reading frame from glutamic acid 1062.
Molecular consequence: frameshift variant.
Genome position (GRCh38, 1-based): chr2:29,071,079, G deleted on the plus strand (C on the coding strand, the reverse complement: PCARE is on the minus strand); the first of 6 consecutive G bases (chr2:29,071,079-29,071,084); deleting any one gives the same sequence. VCF-style (leftmost placement, unchanged base first): chr2-29071078-CG-C. GRCh37 (hg19) VCF-style: chr2-29293944-CG-C.
Other names: short protein forms E1062fs.
Identifiers: ClinVar variation 1069982 (VCV001069982.8), dbSNP rs757391015, ClinGen allele CA1591997.

ClinVar aggregate classification (germline): Pathogenic/Likely pathogenic. Review status: criteria provided, multiple submitters, no conflicts (2 of 4 stars). 2 submissions from 2 submitters: Pathogenic (1); Likely pathogenic (1). Last evaluated 2024-10-23.

Conditions:
C2ORF71 & PCARE-related disorders.

Submissions (2):

Labcorp Genetics (formerly Invitae), Labcorp
Classification: Pathogenic. Last evaluated: 2024-10-23. Review status: criteria provided, single submitter. Criteria: Invitae Variant Classification Sherloc (09022015). Collection method: clinical testing. Allele origin: germline.
Comment: This sequence change creates a premature translational stop signal (p.Glu1062Argfs*51) in the PCARE gene. It is expected to result in an absent or disrupted protein product. Loss-of-function variants in PCARE are known to be pathogenic (PMID: 20398886, 24339724, 26496393). The frequency data for this variant in the population databases is considered unreliable, as metrics indicate poor data quality at this position in the gnomAD database. This variant has not been reported in the literature in individuals affected with PCARE-related conditions. ClinVar contains an entry for this variant (Variation ID: 1069982). For these reasons, this variant has been classified as Pathogenic.

Blueprint Genetics
Classification: Likely pathogenic for C2ORF71 & PCARE-related disorders. Last evaluated: 2022-09-08. Review status: criteria provided, single submitter. Criteria: ACMG Guidelines, 2015. Collection method: clinical testing. Allele origin: germline. Affected: yes. Observed: 2 variant alleles.

Literature cited by the submitters: PubMed 20398886 (cited by Labcorp Genetics (formerly Invitae), Labcorp); PubMed 24339724 (cited by Labcorp Genetics (formerly Invitae), Labcorp); PubMed 26496393 (cited by Labcorp Genetics (formerly Invitae), Labcorp).